The following is an entry in ClinVar:

NM_005560.6(LAMA5):c.8196+4G>A

Gene: LAMA5 (laminin subunit alpha 5; minus strand). Cytogenetic location: 20q13.33.
Variant type: single nucleotide variant.
Coding change: c.8196+4G>A on transcript NM_005560.6 (MANE Select); 4 bases into the intron after coding-DNA position 8196, G replaced by A.
Molecular consequence: intron variant.
Genome position (GRCh38, 1-based): chr20:62,314,795, C>T on the plus strand (G>A on the coding strand, the complement: LAMA5 is on the minus strand). VCF-style: chr20-62314795-C-T. GRCh37 (hg19) VCF-style: chr20-60889851-C-T.
Other names: c.8196+4G>A (NM_005560.4).
Identifiers: ClinVar variation 2701706 (VCV002701706.5), dbSNP rs201811048, ClinGen allele CA9940848.

ClinVar aggregate classification (germline): Likely benign. Review status: criteria provided, single submitter (1 of 4 stars). 2 submissions from 2 submitters: Likely benign (1). 1 of the submissions does not count toward it. Last evaluated 2026-01-02.

Conditions:
LAMA5-related disorder. Also called: LAMA5-related condition; LAMA5-Related Disorders.

Allele frequency attached by ClinVar (database versions not stated): gnomAD 0.00015; 1000 Genomes Project 30x 0.00031; TOPMed 0.00015; ExAC 0.00028; gnomAD exomes 0.00012; 1000 Genomes Project 0.00040.
gnomAD v4.1: 199 of 1,612,906 alleles (0.012%); highest among the groups gnomAD compares: East Asian, 0.35%; no homozygotes.

Submissions (2):

Labcorp Genetics (formerly Invitae), Labcorp
Classification: Likely benign. Last evaluated: 2026-01-02. Review status: criteria provided, single submitter. Criteria: Invitae Variant Classification Sherloc (09022015). Collection method: clinical testing. Allele origin: germline.

PreventionGenetics, part of Exact Sciences
Classification: Likely benign for LAMA5-related condition. Last evaluated: 2021-10-06. Review status: no assertion criteria provided. Collection method: clinical testing. Allele origin: germline. Not counted in ClinVar's aggregate classification.
Comment: This variant is classified as likely benign based on ACMG/AMP sequence variant interpretation guidelines (Richards et al. 2015 PMID: 25741868, with internal and published modifications).